The following is an entry in ClinVar:

ClinVar aggregate classification (germline): Uncertain significance (1 of 4 stars; one submission).

Conditions:
Cardiovascular phenotype. Identifiers: MedGen CN230736.

gnomAD v4.1: 12 of 1,613,124 alleles (0.00074%); highest among the groups gnomAD compares: East Asian, 0.0067%; no homozygotes.

Submission:

Ambry Genetics
Classification: Uncertain significance for Cardiovascular phenotype. Last evaluated: 2026-04-11. Review status: criteria provided, single submitter. Criteria: Ambry Variant Classification Scheme 2023. Collection method: clinical testing. Allele origin: germline.
Comment: The p.R2437C variant (also known as c.7309C>T), located in coding exon 20 of the TNXB gene, results from a C to T substitution at nucleotide position 7309. The arginine at codon 2437 is replaced by cysteine, an amino acid with highly dissimilar properties. This amino acid position is conserved. In addition, this alteration is predicted to be tolerated by in silico analysis. Based on the available evidence, the clinical significance of this variant remains unclear.

NM_001365276.2(TNXB):c.7309C>T (p.Arg2437Cys)

Gene: TNXB (tenascin XB; minus strand). Cytogenetic location: 6p21.33.
Variant type: single nucleotide variant.
Coding change: c.7309C>T on transcript NM_001365276.2 (MANE Select); coding-DNA position 7309, C replaced by T.
Protein change: p.Arg2437Cys; replaces arginine 2437 with cysteine.
Molecular consequence: missense variant.
Genome position (GRCh38, 1-based): chr6:32,061,580, G>A on the plus strand (C>T on the coding strand, the complement: TNXB is on the minus strand). VCF-style: chr6-32061580-G-A. GRCh37 (hg19) VCF-style: chr6-32029357-G-A.
Other names: c.8050C>T, p.Arg2684Cys (NM_001428335.1); c.7309C>T, p.Arg2437Cys (NM_019105.8); short protein forms R2684C, R2437C.
Identifiers: ClinVar variation 3972063 (VCV003972063.2).